The following is an entry in ClinVar:

ClinVar aggregate classification (germline): Uncertain significance (1 of 4 stars; one submission).

Conditions:
MKKS-related disorder. Also called: MKKS-related condition; MKKS-related disorders.

Submission:

PreventionGenetics, part of Exact Sciences
Classification: Uncertain significance for MKKS-related condition. Last evaluated: 2025-10-08. Review status: criteria provided, single submitter. Criteria: ACMG Guidelines, 2015. Collection method: clinical testing. Allele origin: germline.
Comment: The MKKS c.1078T>A variant is predicted to result in the amino acid substitution p.Phe360Ile. To our knowledge, this variant has not been reported in the literature or in a large population database (gnomAD), indicating this variant is rare. At this time, the clinical significance of this variant is uncertain due to the absence of conclusive functional and genetic evidence.

NM_170784.3(MKKS):c.1078T>A (p.Phe360Ile)

Gene: MKKS (MKKS centrosomal shuttling protein; minus strand). Cytogenetic location: 20p12.2.
Variant type: single nucleotide variant.
Coding change: c.1078T>A on transcript NM_170784.3 (MANE Select); coding-DNA position 1078, T replaced by A.
Protein change: p.Phe360Ile; replaces phenylalanine 360 with isoleucine.
Molecular consequence: missense variant. On other transcripts: non-coding transcript variant (1).
Genome position (GRCh38, 1-based): chr20:10,408,711, A>T on the plus strand (T>A on the coding strand, the complement: MKKS is on the minus strand). VCF-style: chr20-10408711-A-T. GRCh37 (hg19) VCF-style: chr20-10389359-A-T.
Other names: c.1078T>A, p.Phe360Ile (NM_018848.3); short protein forms F360I.
Identifiers: ClinVar variation 4995891 (VCV004995891.1).